The following is an entry in ClinVar:

NM_001448.3(GPC4):c.205C>G (p.Gln69Glu)

Gene: GPC4 (glypican 4; minus strand). Cytogenetic location: Xq26.2.
Variant type: single nucleotide variant.
Coding change: c.205C>G on transcript NM_001448.3 (MANE Select); coding-DNA position 205, C replaced by G.
Protein change: p.Gln69Glu; replaces glutamine 69 with glutamic acid.
Molecular consequence: missense variant.
Genome position (GRCh38, 1-based): chrX:133,339,297, G>C on the plus strand (C>G on the coding strand, the complement: GPC4 is on the minus strand). VCF-style: chrX-133339297-G-C. GRCh37 (hg19) VCF-style: chrX-132473325-G-C.
Other names: c.205C>G (NM_001448.2); short protein forms Q69E.
Identifiers: ClinVar variation 2661467 (VCV002661467.25), dbSNP rs376026510, ClinGen allele CA10520556.

ClinVar aggregate classification (germline): Conflicting classifications of pathogenicity. Review status: criteria provided, conflicting classifications (1 of 4 stars). 2 submissions from 2 submitters: Uncertain significance (1); Likely benign (1). Last evaluated 2023-02-01.

Conditions:
Inborn genetic diseases. Identifiers: MedGen C0950123, MeSH D030342.

Allele frequency attached by ClinVar (database versions not stated): ESP Exome Variant Server 0.00009; TOPMed 0.00009; gnomAD 0.00014; gnomAD exomes 0.00020; ExAC 0.00024.
gnomAD v4.1: 240 of 1,208,995 alleles (0.02%); highest among the groups gnomAD compares: Middle Eastern, 0.98%; 3 homozygotes.

Submissions (2):

CeGaT Center for Human Genetics Tuebingen
Classification: Likely benign. Last evaluated: 2023-02-01. Review status: criteria provided, single submitter. Criteria: CeGaT Center For Human Genetics Tuebingen Variant Classification Criteria Version 2. Collection method: clinical testing. Allele origin: germline. Affected: yes. Observed: 1 variant allele.
Comment: GPC4: BP4, BS2

Ambry Genetics
Classification: Uncertain significance for Inborn genetic diseases. Last evaluated: 2021-10-20. Review status: criteria provided, single submitter. Criteria: Ambry Variant Classification Scheme 2023. Collection method: clinical testing. Allele origin: germline.